The following is an entry in ClinVar:

ClinVar aggregate classification (germline): Benign/Likely benign. Review status: criteria provided, multiple submitters, no conflicts (2 of 4 stars). 9 submissions from 9 submitters: Benign (1); Likely benign (7). 1 of the submissions does not count toward it. Last evaluated 2026-01-12.

Conditions:
TPM1-related disorder. Also called: TPM1-related condition.
Cardiovascular phenotype. Identifiers: MedGen CN230736.
Hypertrophic cardiomyopathy. Also called: HYPERTROPHIC MYOCARDIOPATHY. Identifiers: Orphanet 217569, MedGen C0007194, MeSH D002312, MONDO:0005045, HP:0001639.
Cardiomyopathy (CMYO). Also called: Cardiomyopathies. Identifiers: Orphanet 167848, MedGen C0878544, MONDO:0004994, HP:0001638. Inheritance: Various modes of inheritance.

Allele frequency attached by ClinVar (database versions not stated): gnomAD 0.00001; gnomAD exomes 0.00001; TOPMed 0.00002.
gnomAD v4.1: 21 of 1,605,898 alleles (0.0013%); highest among the groups gnomAD compares: African/African-American, 0.024%; no homozygotes.

Submissions (9):

Labcorp Genetics (formerly Invitae), Labcorp
Classification: Likely benign for Hypertrophic cardiomyopathy. Last evaluated: 2026-01-12. Review status: criteria provided, single submitter. Criteria: Invitae Variant Classification Sherloc (09022015). Collection method: clinical testing. Allele origin: germline.

Molecular Diagnostic Laboratory for Inherited Cardiovascular Disease, Montreal Heart Institute
Classification: Likely benign. Last evaluated: 2025-04-09. Review status: criteria provided, single submitter. Criteria: ACMG Guidelines, 2015. Collection method: clinical testing. Allele origin: germline. Affected: no.
Comment: BP6;BP7

Blueprint Genetics
Classification: Likely benign. Last evaluated: 2024-10-23. Review status: criteria provided, single submitter. Criteria: ACMG Guidelines, 2015. Collection method: clinical testing. Allele origin: germline.

CeGaT Center for Human Genetics Tuebingen
Classification: Likely benign. Last evaluated: 2024-09-01. Review status: criteria provided, single submitter. Criteria: CeGaT Center For Human Genetics Tuebingen Variant Classification Criteria Version 2. Collection method: clinical testing. Allele origin: germline. Affected: yes. Observed: 1 variant allele.
Comment: TPM1: BP4, BP7

All of Us Research Program, National Institutes of Health
Classification: Likely benign for Hypertrophic cardiomyopathy. Last evaluated: 2023-12-13. Review status: criteria provided, single submitter. Criteria: ACMG Guidelines, 2015. Collection method: clinical testing. Allele origin: germline. Inheritance: Autosomal dominant inheritance. Observed: 6 variant alleles, 6 heterozygotes.
Comment: This study involves interpretation of variants in research participants for the purpose of population health screening. Participant phenotype was not available at the time of variant classification. Additional details can be found in publication PMID: 35346344, PMCID: PMC8962531

Color Diagnostics, LLC DBA Color Health
Classification: Likely benign for Cardiomyopathy. Last evaluated: 2022-11-06. Review status: criteria provided, single submitter. Criteria: ACMG Guidelines, 2015. Collection method: clinical testing. Allele origin: germline.

Ambry Genetics
Classification: Likely benign for Cardiovascular phenotype. Last evaluated: 2022-07-05. Review status: criteria provided, single submitter. Criteria: Ambry Variant Classification Scheme 2023. Collection method: clinical testing. Allele origin: germline.

GeneDx
Classification: Benign. Last evaluated: 2015-03-03. Review status: criteria provided, single submitter. Criteria: GeneDx Variant Classification Process June 2021. Collection method: clinical testing. Allele origin: germline. Affected: yes.

PreventionGenetics, part of Exact Sciences
Classification: Likely benign for TPM1-related condition. Last evaluated: 2024-09-04. Review status: no assertion criteria provided. Collection method: clinical testing. Allele origin: germline. Not counted in ClinVar's aggregate classification.
Comment: This variant is classified as likely benign based on ACMG/AMP sequence variant interpretation guidelines (Richards et al. 2015 PMID: 25741868, with internal and published modifications).

NM_001018005.2(TPM1):c.87G>A (p.Lys29=)

Gene: TPM1 (tropomyosin 1; plus strand). Cytogenetic location: 15q22.2.
Variant type: single nucleotide variant.
Coding change: c.87G>A on transcript NM_001018005.2 (MANE Select); coding-DNA position 87, G replaced by A.
Protein change: p.Lys29=; no amino-acid change (lysine 29 retained).
Molecular consequence: synonymous variant.
Genome position (GRCh38, 1-based): chr15:63,042,916, G>A. VCF-style: chr15-63042916-G-A. GRCh37 (hg19) VCF-style: chr15-63335115-G-A.
Other names: c.87G>A, p.Lys29= (NM_000366.6, NM_001018004.2, NM_001018006.2 and 7 more transcripts); c.87G>A (NM_001018020.1).
Identifiers: ClinVar variation 698113 (VCV000698113.32), dbSNP rs530234301, ClinGen allele CA272020214.